The following is an entry in ClinVar:

NM_144992.5(VWA3B):c.3267C>T (p.Pro1089=)

Gene: VWA3B (von Willebrand factor A domain containing 3B; plus strand). Cytogenetic location: 2q11.2.
Variant type: single nucleotide variant.
Coding change: c.3267C>T on transcript NM_144992.5 (MANE Select); coding-DNA position 3267, C replaced by T.
Protein change: p.Pro1089=; no amino-acid change (proline 1089 retained).
Molecular consequence: synonymous variant. On other transcripts: non-coding transcript variant (1).
Genome position (GRCh38, 1-based): chr2:98,298,016, C>T. VCF-style: chr2-98298016-C-T. GRCh37 (hg19) VCF-style: chr2-98914479-C-T.
Other names: c.2238C>T, p.Pro746= (NM_001345864.2).
Identifiers: ClinVar variation 2651179 (VCV002651179.24), dbSNP rs375220306, ClinGen allele CA1793248.

ClinVar aggregate classification (germline): Likely benign (1 of 4 stars; one submission).

Allele frequency attached by ClinVar (database versions not stated): gnomAD 0.00003; TOPMed 0.00006; ESP Exome Variant Server 0.00008.
gnomAD v4.1: 167 of 1,565,996 alleles (0.011%); highest among the groups gnomAD compares: Non-Finnish European, 0.013%; no homozygotes.

Submission:

CeGaT Center for Human Genetics Tuebingen
Classification: Likely benign. Last evaluated: 2023-05-01. Review status: criteria provided, single submitter. Criteria: CeGaT Center For Human Genetics Tuebingen Variant Classification Criteria Version 2. Collection method: clinical testing. Allele origin: germline. Affected: yes. Observed: 2 variant alleles.
Comment: VWA3B: BP4, BP7